The following is an entry in ClinVar:

ClinVar aggregate classification (germline): Uncertain significance (1 of 4 stars; one submission).

Conditions:
Inborn genetic diseases. Identifiers: MedGen C0950123, MeSH D030342.

gnomAD v4.1: 2 of 1,614,060 alleles (0.00012%); highest among the groups gnomAD compares: African/African-American, 0.0013%; no homozygotes.

Submission:

Ambry Genetics
Classification: Uncertain significance for Inborn genetic diseases. Last evaluated: 2025-02-16. Review status: criteria provided, single submitter. Criteria: Ambry Variant Classification Scheme 2023. Collection method: clinical testing. Allele origin: germline.
Comment: The p.P522T variant (also known as c.1564C>A), located in coding exon 7 of the SH2B3 gene, results from a C to A substitution at nucleotide position 1564. The proline at codon 522 is replaced by threonine, an amino acid with highly similar properties. This amino acid position is conserved. In addition, this alteration is predicted to be tolerated by in silico analysis. Based on the available evidence, the clinical significance of this variant remains unclear.

NM_005475.3(SH2B3):c.1564C>A (p.Pro522Thr)

Gene: SH2B3 (SH2B adaptor protein 3; plus strand). Cytogenetic location: 12q24.12.
Variant type: single nucleotide variant.
Coding change: c.1564C>A on transcript NM_005475.3 (MANE Select); coding-DNA position 1564, C replaced by A.
Protein change: p.Pro522Thr; replaces proline 522 with threonine.
Molecular consequence: missense variant.
Genome position (GRCh38, 1-based): chr12:111,448,138, C>A. VCF-style: chr12-111448138-C-A. GRCh37 (hg19) VCF-style: chr12-111885942-C-A.
Other names: c.958C>A, p.Pro320Thr (NM_001291424.1); short protein forms P522T, P320T.
Identifiers: ClinVar variation 3795202 (VCV003795202.1).
Genomic context (GRCh38, chr12:111,448,138, plus strand): 5'-AGTTCTTCTGGCTGTCCCCGGGGGCTCAGCCCAGAGGGTCTCCCAGGGCGATCCTCACCC[C>A]CCGAGCAGATCTTCCACCTGGTGCCTTCGCCCGAAGAACTGGCCAACAGCCTGCAGCACC-3'
Protein context (NP_005466.1, residues 512-532): PEGLPGRSSP[Pro522Thr]EQIFHLVPSP